The following is an entry in ClinVar:

NM_001905.4(CTPS1):c.675A>G (p.Ser225=)

Gene: CTPS1 (CTP synthase 1; plus strand). Cytogenetic location: 1p34.2.
Variant type: single nucleotide variant.
Coding change: c.675A>G on transcript NM_001905.4 (MANE Select); coding-DNA position 675, A replaced by G.
Protein change: p.Ser225=; no amino-acid change (serine 225 retained).
Molecular consequence: synonymous variant. On other transcripts: non-coding transcript variant (1).
Genome position (GRCh38, 1-based): chr1:40,991,800, A>G. VCF-style: chr1-40991800-A-G. GRCh37 (hg19) VCF-style: chr1-41457472-A-G.
Other names: c.207A>G, p.Ser69= (NM_001301237.2); c.675A>G (NM_001905.3).
Identifiers: ClinVar variation 2419868 (VCV002419868.29), dbSNP rs752830298, ClinGen allele CA795326.

ClinVar aggregate classification (germline): Likely benign. Review status: criteria provided, multiple submitters, no conflicts (2 of 4 stars). 3 submissions from 3 submitters: Likely benign (3). Last evaluated 2024-10-31.

Conditions:
CTPS1-related disorder. Also called: CTPS1-related condition.
Combined immunodeficiency due to CTPS1 deficiency. Also called: Severe combined immunodeficiency due to CTPS1 deficiency; Immunodeficiency 24. Identifiers: Orphanet 420573, MedGen C4014617, MONDO:0014391, OMIM 615897.

Allele frequency attached by ClinVar (database versions not stated): ExAC 0.00004.
gnomAD v4.1: 12 of 1,614,124 alleles (0.00074%); highest among the groups gnomAD compares: East Asian, 0.027%; no homozygotes.

Submissions (4):

PreventionGenetics, part of Exact Sciences
Classification: Likely benign for CTPS1-related condition. Last evaluated: 2024-10-31. Review status: criteria provided, single submitter. Criteria: ACMG Guidelines, 2015. Collection method: clinical testing. Allele origin: germline.
Comment: This variant is classified as likely benign based on ACMG/AMP sequence variant interpretation guidelines (Richards et al. 2015 PMID: 25741868, with internal and published modifications).

CeGaT Center for Human Genetics Tuebingen
Classification: Likely benign. Last evaluated: 2024-02-01. Review status: criteria provided, single submitter. Criteria: CeGaT Center For Human Genetics Tuebingen Variant Classification Criteria Version 2. Collection method: clinical testing. Allele origin: germline. Affected: yes. Observed: 1 variant allele.
Comment: CTPS1: BP4, BP7

Labcorp Genetics (formerly Invitae), Labcorp
Classification: Likely benign for Combined immunodeficiency due to CTPS1 deficiency. Last evaluated: 2022-10-17. Review status: criteria provided, single submitter. Criteria: Invitae Variant Classification Sherloc (09022015). Collection method: clinical testing. Allele origin: germline.

Dr. Peter K. Rogan Lab, Western University
No classification provided (evidence only). Condition: Colorectal cancer. Review status: no classification provided. Collection method: in vitro. Allele origin: not applicable. Functional consequence: retained intron. Not counted in ClinVar's aggregate classification.